The following is an entry in ClinVar:

ClinVar aggregate classification (germline): Conflicting classifications of pathogenicity. Review status: criteria provided, conflicting classifications (1 of 4 stars). 3 submissions from 3 submitters: Uncertain significance (2); Likely benign (1). Last evaluated 2025-06-25.

Conditions:
Cardiovascular phenotype. Identifiers: MedGen CN230736.
Hereditary cancer-predisposing syndrome. Also called: Hereditary neoplastic syndrome; Neoplastic Syndromes, Hereditary; Tumor predisposition; Hereditary Cancer Syndrome. Identifiers: Orphanet 140162, MedGen C0027672, MeSH D009386, MONDO:0015356.

Submissions (3):

Ambry Genetics
Classification: Uncertain significance for Cardiovascular phenotype; Hereditary cancer-predisposing syndrome. Last evaluated: 2025-06-25. Review status: criteria provided, single submitter. Criteria: Ambry Variant Classification Scheme 2023. Collection method: clinical testing. Allele origin: germline.
Comment: The c.1786-5C>T intronic variant results from a C to T substitution 5 nucleotides upstream from coding exon 16 in the LZTR1 gene. This nucleotide position is not well conserved in available vertebrate species. In silico splice site analysis predicts that this alteration will not have any significant effect on splicing. Based on the available evidence, the clinical significance of this variant remains unclear.

Labcorp Genetics (formerly Invitae), Labcorp
Classification: Likely benign. Last evaluated: 2024-05-22. Review status: criteria provided, single submitter. Criteria: Invitae Variant Classification Sherloc (09022015). Collection method: clinical testing. Allele origin: germline.

Blueprint Genetics
Classification: Uncertain significance. Last evaluated: 2022-10-05. Review status: criteria provided, single submitter. Criteria: ACMG Guidelines, 2015. Collection method: clinical testing. Allele origin: germline.

NM_006767.4(LZTR1):c.1786-5C>T

Gene: LZTR1 (leucine zipper like post translational regulator 1; plus strand). Cytogenetic location: 22q11.21.
Variant type: single nucleotide variant.
Coding change: c.1786-5C>T on transcript NM_006767.4 (MANE Select); 5 bases into the intron before coding-DNA position 1786, C replaced by T.
Molecular consequence: intron variant.
Genome position (GRCh38, 1-based): chr22:20,994,865, C>T. VCF-style: chr22-20994865-C-T. GRCh37 (hg19) VCF-style: chr22-21349154-C-T.
Other names: c.1786-5C>T (NM_006767.3).
Identifiers: ClinVar variation 3703143 (VCV003703143.4).